The following is an entry in ClinVar:

ClinVar aggregate classification (germline): Pathogenic (1 of 4 stars; one submission).

Conditions:
Hereditary breast ovarian cancer syndrome. Also called: Hereditary breast and/or ovarian cancer syndrome; Hereditary breast and ovarian cancer syndrome; Hereditary breast and ovarian cancer syndrome (HBOC); Breast and ovarian cancer; BRCA1- and BRCA2-Associated Hereditary Breast and Ovarian Cancer; Hereditary breast and ovarian cancer. Identifiers: Orphanet 145, MedGen C0677776, MeSH D061325, MONDO:0003582. Disease mechanism: loss of function.

Submission:

Labcorp Genetics (formerly Invitae), Labcorp
Classification: Pathogenic for Hereditary breast and ovarian cancer syndrome. Last evaluated: 2019-06-19. Review status: criteria provided, single submitter. Criteria: Invitae Variant Classification Sherloc (09022015). Collection method: clinical testing. Allele origin: germline.
Comment: This sequence change creates a premature translational stop signal (p.Ile27Asnfs*4) in the BRCA2 gene. It is expected to result in an absent or disrupted protein product. This variant is not present in population databases (ExAC no frequency). This variant has not been reported in the literature in individuals with BRCA2-related conditions. Loss-of-function variants in BRCA2 are known to be pathogenic (PMID: 20104584). For these reasons, this variant has been classified as Pathogenic.

NM_000059.4(BRCA2):c.79dup (p.Ile27fs)

Gene: BRCA2 (BRCA2 DNA repair associated; plus strand). Cytogenetic location: 13q13.1.
Variant type: Duplication.
Coding change: c.79dup on transcript NM_000059.4 (MANE Select); coding-DNA position 79, one base duplicated (A; older notation c.79dupA).
Protein change: p.Ile27fs; shifts the reading frame from isoleucine 27.
Molecular consequence: frameshift variant.
Genome position (GRCh38, 1-based): chr13:32,319,088, A duplicated; the last of 2 consecutive A bases (chr13:32,319,087-32,319,088); duplicating either gives the same sequence. VCF-style (leftmost placement, unchanged base first): chr13-32319086-C-CA. GRCh37 (hg19) VCF-style: chr13-32893223-C-CA.
Other names: short protein forms I27fs.
Identifiers: ClinVar variation 948186 (VCV000948186.1), dbSNP rs2072284097, ClinGen allele CA1139663048.